The following is an entry in ClinVar:

ClinVar aggregate classification (germline): Uncertain significance (1 of 4 stars; one submission).

Conditions:
Inborn genetic diseases. Identifiers: MedGen C0950123, MeSH D030342.

Submission:

Ambry Genetics
Classification: Uncertain significance for Inborn genetic diseases. Last evaluated: 2023-05-30. Review status: criteria provided, single submitter. Criteria: Ambry Variant Classification Scheme 2023. Collection method: clinical testing. Allele origin: germline.
Comment: The p.I828T variant (also known as c.2483T>C), located in coding exon 11 of the ATR gene, results from a T to C substitution at nucleotide position 2483. The isoleucine at codon 828 is replaced by threonine, an amino acid with similar properties. This amino acid position is conserved. In addition, this alteration is predicted to be deleterious by in silico analysis. Since supporting evidence is limited at this time, the clinical significance of this alteration remains unclear.

NM_001184.4(ATR):c.2483T>C (p.Ile828Thr)

Gene: ATR (ATR checkpoint kinase; minus strand). Cytogenetic location: 3q23.
Variant type: single nucleotide variant.
Coding change: c.2483T>C on transcript NM_001184.4 (MANE Select); coding-DNA position 2483, T replaced by C.
Protein change: p.Ile828Thr; replaces isoleucine 828 with threonine.
Molecular consequence: missense variant.
Genome position (GRCh38, 1-based): chr3:142,553,874, A>G on the plus strand (T>C on the coding strand, the complement: ATR is on the minus strand). VCF-style: chr3-142553874-A-G. GRCh37 (hg19) VCF-style: chr3-142272716-A-G.
Other names: c.2291T>C, p.Ile764Thr (NM_001354579.2); short protein forms I764T, I828T.
Identifiers: ClinVar variation 2561365 (VCV002561365.2), dbSNP rs2108465285, ClinGen allele CA354816471.